The following is an entry in ClinVar:

ClinVar aggregate classification (germline): Uncertain significance. Review status: criteria provided, multiple submitters, no conflicts (2 of 4 stars). 2 submissions from 2 submitters: Uncertain significance (2). Last evaluated 2025-02-06.

Conditions:
GPR156-related disorder. Also called: GPR156-related condition.

Allele frequency attached by ClinVar (database versions not stated): gnomAD 0.00009; ExAC 0.00011; ESP Exome Variant Server 0.00015; TOPMed 0.00016.

Submissions (2):

PreventionGenetics, part of Exact Sciences
Classification: Uncertain significance for GPR156-related condition. Last evaluated: 2025-02-06. Review status: criteria provided, single submitter. Criteria: ACMG Guidelines, 2015. Collection method: clinical testing. Allele origin: germline.
Comment: The GPR156 c.1826G>A variant is predicted to result in the amino acid substitution p.Arg609His. To our knowledge, this variant has not been reported in the literature. This variant is reported in 0.015% of alleles in individuals of European (Non-Finnish) descent in gnomAD. At this time, the clinical significance of this variant is uncertain due to the absence of conclusive functional and genetic evidence.

Ambry Genetics
Classification: Uncertain significance. Last evaluated: 2023-12-21. Review status: criteria provided, single submitter. Criteria: Ambry Variant Classification Scheme 2023. Collection method: clinical testing. Allele origin: germline.

NM_153002.3(GPR156):c.1826G>A (p.Arg609His)

Gene: GPR156 (G protein-coupled receptor 156; minus strand). Cytogenetic location: 3q13.33.
Variant type: single nucleotide variant.
Coding change: c.1826G>A on transcript NM_153002.3 (MANE Select); coding-DNA position 1826, G replaced by A.
Protein change: p.Arg609His; replaces arginine 609 with histidine.
Molecular consequence: missense variant.
Genome position (GRCh38, 1-based): chr3:120,167,651, C>T on the plus strand (G>A on the coding strand, the complement: GPR156 is on the minus strand). VCF-style: chr3-120167651-C-T. GRCh37 (hg19) VCF-style: chr3-119886498-C-T.
Other names: c.1814G>A, p.Arg605His (NM_001168271.2); short protein forms R605H, R609H.
Identifiers: ClinVar variation 3101538 (VCV003101538.2), dbSNP rs376129523, ClinGen allele CA2558682.